The following is an entry in ClinVar:

ClinVar aggregate classification (germline): Uncertain significance. Review status: criteria provided, multiple submitters, no conflicts (2 of 4 stars). 2 submissions from 2 submitters: Uncertain significance (2). Last evaluated 2021-05-24.

Conditions:
Sjögren-Larsson syndrome (SLS). Also called: FALDH DEFICIENCY; FATTY ALCOHOL:NAD+ OXIDOREDUCTASE DEFICIENCY; FATTY ALDEHYDE DEHYDROGENASE DEFICIENCY; ICHTHYOSIS, SPASTIC NEUROLOGIC DISORDER, AND OLIGOPHRENIA. Identifiers: Orphanet 816, MedGen C0037231, MONDO:0010031, OMIM 270200.

Allele frequency attached by ClinVar (database versions not stated): gnomAD exomes below 0.00001 and 0.00002; ExAC 0.00002; TOPMed 0.00002; gnomAD 0.00003.
gnomAD v4.1: 10 of 1,614,100 alleles (0.00062%); highest among the groups gnomAD compares: East Asian, 0.0022%; no homozygotes.

Submissions (2):

GeneDx
Classification: Uncertain significance. Last evaluated: 2021-05-24. Review status: criteria provided, single submitter. Criteria: GeneDx Variant Classification Process June 2021. Collection method: clinical testing. Allele origin: germline. Affected: yes.
Comment: Not observed at significant frequency in large population cohorts (Lek et al., 2016); In silico analysis supports that this missense variant has a deleterious effect on protein structure/function; Has not been previously published as pathogenic or benign to our knowledge

Illumina Laboratory Services, Illumina
Classification: Uncertain significance for Sjögren-Larsson syndrome. Last evaluated: 2018-01-13. Review status: criteria provided, single submitter. Criteria: ICSL Variant Classification Criteria 13 December 2019. Collection method: clinical testing. Allele origin: germline.

NM_000382.3(ALDH3A2):c.287A>G (p.Tyr96Cys)

Gene: ALDH3A2 (aldehyde dehydrogenase 3 family member A2; plus strand). Cytogenetic location: 17p11.2.
Variant type: single nucleotide variant.
Coding change: c.287A>G on transcript NM_000382.3 (MANE Select); coding-DNA position 287, A replaced by G.
Protein change: p.Tyr96Cys; replaces tyrosine 96 with cysteine.
Molecular consequence: missense variant. On other transcripts: 5 prime UTR variant (1).
Genome position (GRCh38, 1-based): chr17:19,651,680, A>G. VCF-style: chr17-19651680-A-G. GRCh37 (hg19) VCF-style: chr17-19554993-A-G.
Other names: c.287A>G, p.Tyr96Cys (NM_001031806.2, NM_001369136.1, NM_001369137.2 and 3 more transcripts); c.-402A>G (NM_001369148.2); short protein forms Y96C.
Identifiers: ClinVar variation 891948 (VCV000891948.5), dbSNP rs747913174, ClinGen allele CA8442766.